The following is an entry in ClinVar:

NM_001365951.3(KIF1B):c.3521T>C (p.Val1174Ala)

Gene: KIF1B (kinesin family member 1B; plus strand). Cytogenetic location: 1p36.22.
Variant type: single nucleotide variant.
Coding change: c.3521T>C on transcript NM_001365951.3 (MANE Select); coding-DNA position 3521, T replaced by C.
Protein change: p.Val1174Ala; replaces valine 1174 with alanine.
Molecular consequence: missense variant.
Genome position (GRCh38, 1-based): chr1:10,342,057, T>C. VCF-style: chr1-10342057-T-C. GRCh37 (hg19) VCF-style: chr1-10402115-T-C.
Other names: c.3521T>C, p.Val1174Ala (NM_001365952.1); c.3383T>C, p.Val1128Ala (NM_015074.3); short protein forms V1128A, V1174A.
Identifiers: ClinVar variation 3226455 (VCV003226455.1), dbSNP rs2521751893, ClinGen allele CA338341500.

ClinVar aggregate classification (germline): Uncertain significance (1 of 4 stars; one submission).

gnomAD v4.1: 1 of 1,596,508 alleles (0.000063%); highest among the groups gnomAD compares: Non-Finnish European, 0.000086%; no homozygotes.

Submission:

Ambry Genetics
Classification: Uncertain significance. Last evaluated: 2023-09-30. Review status: criteria provided, single submitter. Criteria: Ambry Variant Classification Scheme 2023. Collection method: clinical testing. Allele origin: germline.
Comment: The p.V1128A variant (also known as c.3383T>C), located in coding exon 30 of the KIF1B gene, results from a T to C substitution at nucleotide position 3383. The valine at codon 1128 is replaced by alanine, an amino acid with similar properties. This amino acid position is conserved. In addition, the in silico prediction for this alteration is inconclusive. Since supporting evidence is limited at this time, the clinical significance of this alteration remains unclear.